The following is an entry in ClinVar:

NM_002439.5(MSH3):c.2321C>T (p.Thr774Ile)

Gene: MSH3 (mutS homolog 3; plus strand). Cytogenetic location: 5q14.1.
Variant type: single nucleotide variant.
Coding change: c.2321C>T on transcript NM_002439.5 (MANE Select); coding-DNA position 2321, C replaced by T.
Protein change: p.Thr774Ile; replaces threonine 774 with isoleucine.
Molecular consequence: missense variant.
Genome position (GRCh38, 1-based): chr5:80,778,722, C>T. VCF-style: chr5-80778722-C-T. GRCh37 (hg19) VCF-style: chr5-80074541-C-T.
Other names: short protein forms T774I.
Identifiers: ClinVar variation 1789583 (VCV001789583.8), dbSNP rs2546779493, ClinGen allele CA360281703.

ClinVar aggregate classification (germline): Uncertain significance. Review status: criteria provided, multiple submitters, no conflicts (2 of 4 stars). 2 submissions from 2 submitters: Uncertain significance (2). Last evaluated 2025-06-06.

Conditions:
Hereditary cancer-predisposing syndrome. Also called: Hereditary Cancer Syndrome; Hereditary neoplastic syndrome; Tumor predisposition; Neoplastic Syndromes, Hereditary. Identifiers: Orphanet 140162, MedGen C0027672, MeSH D009386, MONDO:0015356.

gnomAD v4.1: 1 of 1,590,438 alleles (0.000063%); highest among the groups gnomAD compares: Non-Finnish European, 0.000086%; no homozygotes.

Submissions (2):

Ambry Genetics
Classification: Uncertain significance for Hereditary cancer-predisposing syndrome. Last evaluated: 2025-06-06. Review status: criteria provided, single submitter. Criteria: Ambry Variant Classification Scheme 2023. Collection method: clinical testing. Allele origin: germline.
Comment: The p.T774I variant (also known as c.2321C>T), located in coding exon 17 of the MSH3 gene, results from a C to T substitution at nucleotide position 2321. The threonine at codon 774 is replaced by isoleucine, an amino acid with similar properties. This amino acid position is conserved. In addition, this alteration is predicted to be deleterious by in silico analysis. Since supporting evidence is limited at this time, the clinical significance of this alteration remains unclear.

Labcorp Genetics (formerly Invitae), Labcorp
Classification: Uncertain significance. Last evaluated: 2025-04-28. Review status: criteria provided, single submitter. Criteria: Invitae Variant Classification Sherloc (09022015). Collection method: clinical testing. Allele origin: germline.
Comment: This sequence change replaces threonine, which is neutral and polar, with isoleucine, which is neutral and non-polar, at codon 774 of the MSH3 protein (p.Thr774Ile). This variant is not present in population databases (gnomAD no frequency). This variant has not been reported in the literature in individuals affected with MSH3-related conditions. ClinVar contains an entry for this variant (Variation ID: 1789583). An algorithm developed to predict the effect of missense changes on protein structure and function (PolyPhen-2) suggests that this variant is likely to be disruptive. In summary, the available evidence is currently insufficient to determine the role of this variant in disease. Therefore, it has been classified as a Variant of Uncertain Significance.